The following is an entry in ClinVar:

ClinVar aggregate classification (germline): Pathogenic/Likely pathogenic. Review status: criteria provided, multiple submitters, no conflicts (2 of 4 stars). 5 submissions from 5 submitters: Pathogenic (2); Likely pathogenic (3). Last evaluated 2026-07-13.

Conditions:
DLG4-related disorder. Also called: DLG4-related condition.
Intellectual developmental disorder 62. Also called: INTELLECTUAL DEVELOPMENTAL DISORDER, AUTOSOMAL DOMINANT 62; MENTAL RETARDATION, AUTOSOMAL DOMINANT 62. Identifiers: MedGen C5394083, MONDO:0032919, OMIM 618793.

Submissions (5):

Institute of Human Genetics, University of Leipzig Medical Center
Classification: Pathogenic for Intellectual developmental disorder 62. Last evaluated: 2026-07-13. Review status: criteria provided, single submitter. Criteria: ACMG Guidelines, 2015. Collection method: clinical testing. Allele origin: unknown. Inheritance: Autosomal dominant inheritance. Affected: yes.
Comment: Criteria applied: PVS1,PS4_MOD,PM2, PS2_MOD

PreventionGenetics, part of Exact Sciences
Classification: Likely pathogenic for DLG4-related condition. Last evaluated: 2025-06-13. Review status: criteria provided, single submitter. Criteria: ACMG Guidelines, 2015. Collection method: clinical testing. Allele origin: germline.
Comment: The DLG4 c.771G>A variant is not predicted to result in an amino acid change (p.=). This variant affects the last nucleotide of exon 9 and is therefore within the splice donor motif (Walker et al. 2023. PubMed ID: 37352859) and is predicted to disrupt canonical splicing at this site (SpliceAI, Jaganathan et al. 2019. PubMed ID: 30661751). To our knowledge, this variant has not been reported in the literature, or in a large population database (gnomAD), indicating this variant is rare. This variant is interpreted as likely pathogenic.

GeneDx
Classification: Likely pathogenic. Last evaluated: 2025-05-15. Review status: criteria provided, single submitter. Criteria: GeneDx Variant Classification Process June 2021. Collection method: clinical testing. Allele origin: germline. Affected: yes.
Comment: Not observed at significant frequency in large population cohorts (gnomAD); In silico analysis supports a deleterious effect on splicing; Has not been previously published as pathogenic or benign to our knowledge

Tumer Group, Copenhagen University Hospital, Rigshospitalet
Classification: Pathogenic for Intellectual developmental disorder 62. Last evaluated: 2023-02-28. Review status: criteria provided, single submitter. Criteria: ACMG Guidelines, 2015. Collection method: research. Allele origin: de novo. Affected: yes.

Genetics and Molecular Pathology, SA Pathology
Classification: Likely pathogenic for Intellectual developmental disorder 62. Last evaluated: 2021-12-08. Review status: criteria provided, single submitter. Criteria: ACMG Guidelines, 2015. Collection method: clinical testing. Allele origin: germline. Affected: yes.

NM_001321075.3(DLG4):c.642G>A (p.Ala214=)

Gene: DLG4 (discs large MAGUK scaffold protein 4; minus strand). Cytogenetic location: 17p13.1.
Variant type: single nucleotide variant.
Coding change: c.642G>A on transcript NM_001321075.3 (MANE Select); coding-DNA position 642, G replaced by A.
Protein change: p.Ala214=; no amino-acid change (alanine 214 retained).
Molecular consequence: synonymous variant. On other transcripts: non-coding transcript variant (1).
Genome position (GRCh38, 1-based): chr17:7,203,193, C>T on the plus strand (G>A on the coding strand, the complement: DLG4 is on the minus strand). VCF-style: chr17-7203193-C-T. GRCh37 (hg19) VCF-style: chr17-7106512-C-T.
Other names: c.633G>A, p.Ala211= (NM_001128827.4); c.762G>A, p.Ala254= (NM_001321074.1); c.462G>A, p.Ala154= (NM_001321076.3, NM_001321077.3); c.771G>A, p.Ala257= (NM_001365.5); c.561G>A, p.Ala187= (NM_001369566.3).
Identifiers: ClinVar variation 1305865 (VCV001305865.10), dbSNP rs2142883774, ClinGen allele CA497693539.